The following is an entry in ClinVar:

ClinVar aggregate classification (germline): Pathogenic (1 of 4 stars; one submission).

Submission:

Labcorp Genetics (formerly Invitae), Labcorp
Classification: Pathogenic. Last evaluated: 2026-01-28. Review status: criteria provided, single submitter. Criteria: Invitae Variant Classification Sherloc (09022015). Collection method: clinical testing. Allele origin: germline.
Comment: This sequence change creates a premature translational stop signal (p.Asn83Glufs*5) in the KIF14 gene. It is expected to result in an absent or disrupted protein product. Loss-of-function variants in KIF14 are known to be pathogenic (PMID: 23308235, 29343805, 30388224). This variant is not present in population databases (gnomAD no frequency). This variant has not been reported in the literature in individuals affected with KIF14-related conditions. For these reasons, this variant has been classified as Pathogenic.

Literature cited by the submitters: PubMed 23308235; PubMed 29343805; PubMed 30388224.

NM_014875.3(KIF14):c.246_247insG (p.Asn83fs)

Gene: KIF14 (kinesin family member 14; minus strand). Cytogenetic location: 1q32.1.
Variant type: Insertion.
Coding change: c.246_247insG on transcript NM_014875.3 (MANE Select); coding-DNA positions 246 to 247, G inserted.
Protein change: p.Asn83fs; shifts the reading frame from asparagine 83.
Molecular consequence: frameshift variant. On other transcripts: 5 prime UTR variant (1).
Genome position: GRCh38 VCF-style: chr1-200618477-T-TC. GRCh37 (hg19) VCF-style: chr1-200587605-T-TC.
Other names: c.-1140_-1139insG (NM_001305792.1); short protein forms N83fs.
Identifiers: ClinVar variation 4806579 (VCV004806579.1).